The following is an entry in ClinVar:

ClinVar aggregate classification (germline): Likely benign (1 of 4 stars; one submission).

Conditions:
Nemaline myopathy 7 (NEM7). Also called: Nemaline myopathy 7, autosomal recessive. Identifiers: Orphanet 171436, MedGen C1853154, MONDO:0012538, OMIM 610687.

Allele frequency attached by ClinVar (database versions not stated): gnomAD 0.00030 and 0.00042; TOPMed 0.00046; gnomAD exomes 0.00064 and 0.00097; ExAC 0.00106; 1000 Genomes Project 30x 0.00156; 1000 Genomes Project 0.00200.
gnomAD v4.1: 253 of 454,362 alleles (0.056%); highest among the groups gnomAD compares: East Asian, 0.99%; 1 homozygote.

Submission:

Illumina Laboratory Services, Illumina
Classification: Likely benign for Nemaline myopathy 7. Last evaluated: 2018-01-13. Review status: criteria provided, single submitter. Criteria: ICSL Variant Classification Criteria 13 December 2019. Collection method: clinical testing. Allele origin: germline.
Comment: This variant was observed in the ICSL laboratory as part of a predisposition screen in an ostensibly healthy population. It had not been previously curated by ICSL or reported in the Human Gene Mutation Database (HGMD: prior to June 1st, 2018), and was therefore a candidate for classification through an automated scoring system. Utilizing variant allele frequency, disease prevalence and penetrance estimates, and inheritance mode, an automated score was calculated to assess if this variant is too frequent to cause the disease. Based on the score and internal cut-off values, a variant classified as likely benign is not then subjected to further curation. The score for this variant resulted in a classification of likely benign for this disease.

NM_138638.5(CFL2):c.*905A>G

Gene: CFL2 (cofilin 2; minus strand). Cytogenetic location: 14q13.1.
Variant type: single nucleotide variant.
Coding change: c.*905A>G on transcript NM_138638.5 (MANE Select); 905 bases downstream of the stop codon, A replaced by G.
Molecular consequence: 3 prime UTR variant. On other transcripts: non-coding transcript variant (2).
Genome position (GRCh38, 1-based): chr14:34,711,960, T>C on the plus strand (A>G on the coding strand, the complement: CFL2 is on the minus strand). VCF-style: chr14-34711960-T-C. GRCh37 (hg19) VCF-style: chr14-35181166-T-C.
Other names: c.*905A>G (NM_001243645.2, NM_021914.8).
Identifiers: ClinVar variation 881373 (VCV000881373.4), dbSNP rs117658440, ClinGen allele CA7152191.